The following is an entry in ClinVar:

NM_198253.3(TERT):c.2149T>A (p.Tyr717Asn)

Gene: TERT (telomerase reverse transcriptase; minus strand). Cytogenetic location: 5p15.33.
Variant type: single nucleotide variant.
Coding change: c.2149T>A on transcript NM_198253.3 (MANE Select); coding-DNA position 2149, T replaced by A.
Protein change: p.Tyr717Asn; replaces tyrosine 717 with asparagine.
Molecular consequence: missense variant. On other transcripts: non-coding transcript variant (1).
Genome position (GRCh38, 1-based): chr5:1,278,778, A>T on the plus strand (T>A on the coding strand, the complement: TERT is on the minus strand). VCF-style: chr5-1278778-A-T. GRCh37 (hg19) VCF-style: chr5-1278893-A-T.
Other names: c.2149T>A, p.Tyr717Asn (NM_001193376.3); short protein forms Y717N.
Identifiers: ClinVar variation 1692100 (VCV001692100.1), dbSNP rs2126640445, ClinGen allele CA359079682.

ClinVar aggregate classification (germline): Uncertain significance (1 of 4 stars; one submission).

Conditions:
Dyskeratosis congenita. Identifiers: Orphanet 1775, MedGen C0265965, MONDO:0015780.

Submission:

Sema4
Classification: Uncertain significance for Dyskeratosis congenita. Last evaluated: 2021-06-04. Review status: criteria provided, single submitter. Criteria: Sema4 Curation Guidelines. Collection method: curation. Allele origin: germline.
Comment: To the best of our knowledge, the TERT c.2149T>A (p.Y717N) variant has not been reported in individuals with TERT-related disease. It was not observed in the large and broad cohorts of the Genome Aggregation Database (PMID: 32461654), nor has it been reported in ClinVar. In silico tools suggest the impact of the variant on protein function is deleterious, though these predictions have not been confirmed by functional studies. The evidence is insufficient to meet ACMG/AMP criteria for classifying the variant as benign or pathogenic. Thus, the clinical significance of this variant is currently uncertain.